The following is an entry in ClinVar:

Conditions:
Breast-ovarian cancer, familial, susceptibility to, 1 (BROVCA1). Also called: BRCA1 Hereditary Breast and Ovarian Cancer; OVARIAN CANCER, SUSCEPTIBILITY TO. Identifiers: Orphanet 145, MedGen C2676676, MONDO:0011450, OMIM 604370. Disease mechanism: loss of function.

Submission:

Brotman Baty Institute, University of Washington
No classification provided (evidence only). Condition: Breast-ovarian cancer, familial 1. Review status: no classification provided. Collection method: in vitro. Allele origin: not applicable. Functional consequence: functionally_normal.
ClinVar note: "not provided" was previously submitted as the classification for the variant. However, the classification appeared to be based only on an observation of functional data so it was converted to no classification on 2025-07-30.

NM_007294.4(BRCA1):c.5232A>T (p.Arg1744Ser)

Gene: BRCA1 (BRCA1 DNA repair associated; minus strand). Cytogenetic location: 17q21.31.
Variant type: single nucleotide variant.
Coding change: c.5232A>T on transcript NM_007294.4 (MANE Select); coding-DNA position 5232, A replaced by T.
Protein change: p.Arg1744Ser; replaces arginine 1744 with serine.
Molecular consequence: missense variant. On other transcripts: non-coding transcript variant (1).
Genome position (GRCh38, 1-based): chr17:43,057,097, T>A on the plus strand (A>T on the coding strand, the complement: BRCA1 is on the minus strand). VCF-style: chr17-43057097-T-A. GRCh37 (hg19) VCF-style: chr17-41209114-T-A.
Other names: c.5019A>T, p.Arg1673Ser (NM_001407571.1, NM_001407900.1, NM_001407902.1 and 12 more transcripts); c.5298A>T, p.Arg1766Ser (NM_001407581.1, NM_001407582.1); c.5295A>T, p.Arg1765Ser (NM_001407583.1, NM_001407585.1, NM_001407587.1 and 1 more transcripts); c.5229A>T, p.Arg1743Ser (NM_001407610.1, NM_001407611.1, NM_001407612.1 and 17 more transcripts); c.5226A>T, p.Arg1742Ser (NM_001407629.1, NM_001407630.1, NM_001407631.1 and 14 more transcripts); c.5172A>T, p.Arg1724Ser (NM_001407649.1); c.5154A>T, p.Arg1718Ser (NM_001407652.1, NM_001407653.1, NM_001407654.1 and 1 more transcripts); c.5151A>T, p.Arg1717Ser (NM_001407656.1, NM_001407657.1, NM_001407658.1); and 72 more; short protein forms R1765S, R1744S, R1697S, R640S, R1448S, R1575S, R1616S, R1656S.
Identifiers: ClinVar variation 867874 (VCV000867874.3), dbSNP rs2051514714, ClinGen allele CA10591078.
Genomic context (GRCh38, chr17:43,057,097, plus strand): 5'-GGGAGGGAGCTTTACCTTTCTGTCCTGGGATTCTCTTGCTCGCTTTGGACCTTGGTGGTT[T>A]CTTCCATTGACCACATCTCCTCTGACTTCAAAATCATGCTGAAAGAAACCAAACACAACC-3'
Protein context (NP_009225.1, residues 1734-1754): FEVRGDVVNG[Arg1744Ser]NHQGPKRARE